The following is an entry in ClinVar:

NM_001673.5(ASNS):c.1481del (p.Asp494fs)

Genes: ASNS (asparagine synthetase (glutamine-hydrolyzing); minus strand), CZ1P-ASNS (CZ1P-ASNS readthrough; minus strand). Cytogenetic location: 7q21.3.
Variant type: Deletion.
Coding change: c.1481del on transcript NM_001673.5 (MANE Select); coding-DNA position 1481, one base deleted (A; older notation c.1481delA).
Protein change: p.Asp494fs; shifts the reading frame from aspartic acid 494.
Molecular consequence: frameshift variant. On other transcripts: non-coding transcript variant (1).
Genome position (GRCh38, 1-based): chr7:97,852,464, T deleted on the plus strand (A on the coding strand, the reverse complement: ASNS is on the minus strand). VCF-style (leftmost placement, unchanged base first): chr7-97852463-AT-A. GRCh37 (hg19) VCF-style: chr7-97481775-AT-A.
Other names: c.1418del, p.Asp473fs (NM_001178075.2); c.1232del, p.Asp411fs (NM_001178076.2, NM_001178077.1); c.1481del, p.Asp494fs (NM_001352496.2, NM_133436.3, NM_183356.4); short protein forms D411fs, D494fs, D473fs.
Identifiers: ClinVar variation 2058880 (VCV002058880.4), dbSNP rs2484624216, ClinGen allele CA2580077924.

ClinVar aggregate classification (germline): Pathogenic (1 of 4 stars; one submission).

Submission:

Labcorp Genetics (formerly Invitae), Labcorp
Classification: Pathogenic. Last evaluated: 2021-12-24. Review status: criteria provided, single submitter. Criteria: Invitae Variant Classification Sherloc (09022015). Collection method: clinical testing. Allele origin: germline.
Comment: This variant has not been reported in the literature in individuals affected with ASNS-related conditions. This variant disrupts a region of the ASNS protein in which other variant(s) (p.Arg550His) have been determined to be pathogenic (PMID: 29405484, 32255274). This suggests that this is a clinically significant region of the protein, and that variants that disrupt it are likely to be disease-causing. For these reasons, this variant has been classified as Pathogenic. This variant is not present in population databases (gnomAD no frequency). This sequence change creates a premature translational stop signal (p.Asp494Valfs*4) in the ASNS gene. While this is not anticipated to result in nonsense mediated decay, it is expected to disrupt the last 68 amino acid(s) of the ASNS protein.

Literature cited by the submitters: PubMed 29405484; PubMed 32255274.